The following is an entry in ClinVar:

NM_007294.4(BRCA1):c.5278-6T>G

Gene: BRCA1 (BRCA1 DNA repair associated; minus strand). Cytogenetic location: 17q21.31.
Variant type: single nucleotide variant.
Coding change: c.5278-6T>G on transcript NM_007294.4 (MANE Select); 6 bases into the intron before coding-DNA position 5278, T replaced by G.
Molecular consequence: intron variant.
Genome position (GRCh38, 1-based): chr17:43,051,123, A>C on the plus strand (T>G on the coding strand, the complement: BRCA1 is on the minus strand). VCF-style: chr17-43051123-A-C. GRCh37 (hg19) VCF-style: chr17-41203140-A-C.
Other names: c.1825-6T>G (NM_001408458.1, NM_001408461.1, NM_001408464.1 and 7 more transcripts); c.4387-6T>G (NM_001407967.1); c.4897-6T>G (NM_001407959.1); c.5011-6T>G (NM_001407931.1, NM_001407932.1, NM_001407928.1 and 4 more transcripts); c.5134-6T>G (NM_001407747.1, NM_001407745.1, NM_001407737.1 and 21 more transcripts); c.4894-6T>G (NM_001407962.1, NM_001407960.1); c.1465-6T>G (NM_001408512.1); c.1588-6T>G (NM_001408510.1); and 74 more.
Identifiers: ClinVar variation 867333 (VCV000867333.3), dbSNP rs1555575746, ClinGen allele CA916081055.

Conditions:
Breast-ovarian cancer, familial, susceptibility to, 1 (BROVCA1). Also called: BRCA1 Hereditary Breast and Ovarian Cancer; OVARIAN CANCER, SUSCEPTIBILITY TO. Identifiers: Orphanet 145, MedGen C2676676, MONDO:0011450, OMIM 604370. Disease mechanism: loss of function.

Submission:

Brotman Baty Institute, University of Washington
No classification provided (evidence only). Condition: Breast-ovarian cancer, familial 1. Review status: no classification provided. Collection method: in vitro. Allele origin: not applicable. Functional consequence: functionally_normal.
ClinVar note: "not provided" was previously submitted as the classification for the variant. However, the classification appeared to be based only on an observation of functional data so it was converted to no classification on 2025-07-30.